The following is an entry in ClinVar:

NM_006567.5(FARS2):c.431A>G (p.Tyr144Cys)

Genes: FARS2 (phenylalanyl-tRNA synthetase 2, mitochondrial; plus strand), LOC126859565 (CDK7 strongly-dependent group 2 enhancer GRCh37_chr6:5368745-5369944; plus strand). Cytogenetic location: 6p25.1.
Variant type: single nucleotide variant.
Coding change: c.431A>G on transcript NM_006567.5 (MANE Select); coding-DNA position 431, A replaced by G.
Protein change: p.Tyr144Cys; replaces tyrosine 144 with cysteine.
Molecular consequence: missense variant. On other transcripts: intron variant (2).
Genome position (GRCh38, 1-based): chr6:5,369,001, A>G. VCF-style: chr6-5369001-A-G. GRCh37 (hg19) VCF-style: chr6-5369234-A-G.
Other names: c.431A>G, p.Tyr144Cys (NM_001318872.2, NM_001374875.1, NM_001374876.1 and 5 more transcripts); c.-340-27632A>G (NM_001375260.1); c.-84-35541A>G (NM_001375259.1); short protein forms Y144C.
Identifiers: ClinVar variation 39824 (VCV000039824.16), dbSNP rs397514610, ClinGen allele CA130596.
Genomic context (GRCh38, chr6:5,369,001, plus strand): 5'-AGAACTTTGACAGCCTGCTCATCCCAGCTGATCACCCCAGCAGGAAGAAGGGGGACAACT[A>G]TTACCTGAATCGGACTCACATGCTGAGAGCGCACACGTCTGCACACCAGTGGGACTTGCT-3'
Protein context (NP_006558.1, residues 134-154): DHPSRKKGDN[Tyr144Cys]YLNRTHMLRA

ClinVar aggregate classification (germline): Pathogenic. Review status: criteria provided, multiple submitters, no conflicts (2 of 4 stars). 10 submissions from 9 submitters: Pathogenic (5). 5 of the submissions do not count toward it. Last evaluated 2026-01-22.

Conditions:
FARS2-related disorder. Also called: FARS2-related condition; FARS2-related disorders.
Combined oxidative phosphorylation defect type 14. Also called: Combined oxidative phosphorylation deficiency 14. Identifiers: Orphanet 319519, MedGen C4755312, MONDO:0013986, OMIM 614946.
Mitochondrial encephalomyopathy. Identifiers: MedGen C0162666, MONDO:0004675.
Global developmental delay (DD). Also called: Cognitive delay. Identifiers: MedGen C0557874, HP:0001263. Disease mechanism: loss of function.

Allele frequency attached by ClinVar (database versions not stated): gnomAD exomes below 0.00001.
gnomAD v4.1: 7 of 1,614,150 alleles (0.00043%); highest among the groups gnomAD compares: Middle Eastern, 0.016%; no homozygotes.

Submissions (10):

GeneDx
Classification: Pathogenic. Last evaluated: 2026-01-22. Review status: criteria provided, single submitter. Criteria: GeneDx Variant Classification Process June 2021. Collection method: clinical testing. Allele origin: germline. Affected: yes.
Comment: Published functional studies demonstrate p.(Y144C) disrupts tRNA binding and stability of the mitochondrial phenylalanyl transfer RNA (tRNA) synthetase (mtPheRS) protein leading to a decrease in tRNA charging capacity (PMID: 22833457); Not observed at significant frequency in large population cohorts (gnomAD); In silico analysis supports that this missense variant has a deleterious effect on protein structure/function; This variant is associated with the following publications: (PMID: 25851414, 24639874, 26553276, 34645488, 22499341, 24810279, 28043061, 28454995, 31130284, 37644014, 31241862, 22833457)

Labcorp Genetics (formerly Invitae), Labcorp
Classification: Pathogenic for Combined oxidative phosphorylation defect type 14. Last evaluated: 2025-04-21. Review status: criteria provided, single submitter. Criteria: Invitae Variant Classification Sherloc (09022015). Collection method: clinical testing. Allele origin: germline.
Comment: This sequence change replaces tyrosine, which is neutral and polar, with cysteine, which is neutral and slightly polar, at codon 144 of the FARS2 protein (p.Tyr144Cys). This variant is not present in population databases (gnomAD no frequency). This missense change has been observed in individuals with clinical features of early infantile epileptic encephalopathy (PMID: 22499341, 22833457, 30177229). It has also been observed to segregate with disease in related individuals. ClinVar contains an entry for this variant (Variation ID: 39824). Invitae Evidence Modeling of protein sequence and biophysical properties (such as structural, functional, and spatial information, amino acid conservation, physicochemical variation, residue mobility, and thermodynamic stability) indicates that this missense variant is expected to disrupt FARS2 protein function with a positive predictive value of 95%. Experimental studies have shown that this missense change affects FARS2 function (PMID: 22833457). For these reasons, this variant has been classified as Pathogenic.

Blueprint Genetics
Classification: Pathogenic for FARS2-related disorders. Last evaluated: 2024-08-20. Review status: criteria provided, single submitter. Criteria: ACMG Guidelines, 2015. Collection method: clinical testing. Allele origin: germline. Affected: yes. Observed: 1 variant allele.

Genomic Medicine Center of Excellence, King Faisal Specialist Hospital and Research Centre
Classification: Pathogenic for Combined oxidative phosphorylation deficiency 14. Last evaluated: 2024-03-14. Review status: criteria provided, single submitter. Criteria: ACMG Guidelines, 2015. Collection method: clinical testing. Allele origin: germline.

Wong Mito Lab, Molecular and Human Genetics, Baylor College of Medicine
Classification: Pathogenic for Combined oxidative phosphorylation deficiency 14. Last evaluated: 2018-06-13. Review status: criteria provided, single submitter. Criteria: ACMG Guidelines, 2015. Collection method: clinical testing. Allele origin: germline. Affected: yes.

Biochemical Molecular Genetic Laboratory, King Abdulaziz Medical City
Classification: Likely pathogenic for Combined oxidative phosphorylation defect type 14. Last evaluated: 2019-09-26. Review status: no assertion criteria provided. Collection method: clinical testing. Allele origin: germline. Affected: yes. Not counted in ClinVar's aggregate classification.

Lupski Lab, Baylor-Hopkins CMG, Baylor College of Medicine
Classification: Pathogenic for Combined oxidative phosphorylation defect type 14. Last evaluated: 2016-01-10. Review status: no assertion criteria provided. Collection method: research. Allele origin: inherited. Inheritance: Autosomal recessive inheritance. Affected: yes. Observed: 2 variant alleles, 2 homozygotes. Study: The combination of WES, CNV-derived from WES, paralog studies, and GeneMatcher provide potential molecular diagnosis in a cohort from Saudi Arabia. Not counted in ClinVar's aggregate classification.

Genomic Medicine Center of Excellence, King Faisal Specialist Hospital and Research Centre
Classification: Likely pathogenic for Global developmental delay; Mitochondrial encephalomyopathy. Last evaluated: 2014-12-01. Review status: no assertion criteria provided. Criteria: research. Collection method: research. Allele origin: germline. Affected: yes. Not counted in ClinVar's aggregate classification.

OMIM
Classification: Pathogenic for COMBINED OXIDATIVE PHOSPHORYLATION DEFICIENCY 14. Last evaluated: 2012-10-15. Review status: no assertion criteria provided. Collection method: literature only. Allele origin: germline. Not counted in ClinVar's aggregate classification.

GeneReviews
No classification provided. Condition: Combined oxidative phosphorylation defect type 14. Review status: no classification provided. Collection method: literature only. Allele origin: germline. Not counted in ClinVar's aggregate classification.

Literature cited by the submitters: PubMed 22499341 (cited by 4 submitters); PubMed 22833457 (cited by Labcorp Genetics (formerly Invitae), Labcorp and OMIM); PubMed 30177229 (cited by Labcorp Genetics (formerly Invitae), Labcorp and GeneReviews); PubMed 25558065 (cited by Genomic Medicine Center of Excellence, King Faisal Specialist Hospital and Research Centre); PubMed 30869852 (cited by GeneReviews).